The following is an entry in ClinVar:

NM_003289.4(TPM2):c.455A>G (p.Lys152Arg)

Gene: TPM2 (tropomyosin 2; minus strand). Cytogenetic location: 9p13.3.
Variant type: single nucleotide variant.
Coding change: c.455A>G on transcript NM_003289.4 (MANE Select); coding-DNA position 455, A replaced by G.
Protein change: p.Lys152Arg; replaces lysine 152 with arginine.
Molecular consequence: missense variant.
Genome position (GRCh38, 1-based): chr9:35,685,471, T>C on the plus strand (A>G on the coding strand, the complement: TPM2 is on the minus strand). VCF-style: chr9-35685471-T-C. GRCh37 (hg19) VCF-style: chr9-35685468-T-C.
Other names: c.455A>G, p.Lys152Arg (NM_001301226.2, NM_001301227.2, NM_213674.1); short protein forms K152R.
Identifiers: ClinVar variation 2572813 (VCV002572813.2), dbSNP rs2490683277, ClinGen allele CA373367230.

ClinVar aggregate classification (germline): Likely pathogenic (1 of 4 stars; one submission).

Submission:

GeneDx
Classification: Likely pathogenic. Last evaluated: 2026-09-03. Review status: criteria provided, single submitter. Criteria: GeneDx Variant Classification Process June 2021. Collection method: clinical testing. Allele origin: germline.
Comment: Not observed at significant frequency in large population cohorts (gnomAD); Missense variants in this gene are a common cause of disease and they are underrepresented in the general population; In silico analysis suggests that this missense variant does not alter protein structure/function; Has not been previously published as pathogenic or benign to our knowledge